The following is an entry in ClinVar:

ClinVar aggregate classification (germline): Uncertain significance (1 of 4 stars; one submission).

Conditions:
EPILEPSY, CHILDHOOD ABSENCE, SUSCEPTIBILITY TO, 2 (ECA2). Identifiers: Orphanet 64280, MedGen C1843244, OMIM 607681.
Febrile seizures, familial, 8 (FEB8). Also called: CONVULSIONS, FAMILIAL FEBRILE, 8. Identifiers: Orphanet 36387, MedGen C1969810, MONDO:0011891, OMIM 607681.

Submission:

Labcorp Genetics (formerly Invitae), Labcorp
Classification: Uncertain significance for Febrile seizures, familial, 8; EPILEPSY, CHILDHOOD ABSENCE, SUSCEPTIBILITY TO, 2. Last evaluated: 2023-11-27. Review status: criteria provided, single submitter. Criteria: Invitae Variant Classification Sherloc (09022015). Collection method: clinical testing. Allele origin: germline.
Comment: This sequence change replaces valine, which is neutral and non-polar, with glycine, which is neutral and non-polar, at codon 459 of the GABRG2 protein (p.Val459Gly). This variant is not present in population databases (gnomAD no frequency). This variant has not been reported in the literature in individuals affected with GABRG2-related conditions. Advanced modeling of protein sequence and biophysical properties (such as structural, functional, and spatial information, amino acid conservation, physicochemical variation, residue mobility, and thermodynamic stability) performed at Invitae indicates that this missense variant is expected to disrupt GABRG2 protein function with a positive predictive value of 95%. In summary, the available evidence is currently insufficient to determine the role of this variant in disease. Therefore, it has been classified as a Variant of Uncertain Significance.

NM_198904.4(GABRG2):c.1400T>G (p.Val467Gly)

Gene: GABRG2 (gamma-aminobutyric acid type A receptor subunit gamma2; plus strand). Cytogenetic location: 5q34.
Variant type: single nucleotide variant.
Coding change: c.1400T>G on transcript NM_198904.4 (MANE Select); coding-DNA position 1400, T replaced by G.
Protein change: p.Val467Gly; replaces valine 467 with glycine.
Molecular consequence: missense variant. On other transcripts: 3 prime UTR variant (1).
Genome position (GRCh38, 1-based): chr5:162,153,340, T>G. VCF-style: chr5-162153340-T-G. GRCh37 (hg19) VCF-style: chr5-161580346-T-G.
Other names: c.1376T>G, p.Val459Gly (NM_000816.3); c.1391T>G, p.Val464Gly (NM_001375339.1); c.*234T>G (NM_001375340.1); c.1397T>G, p.Val466Gly (NM_001375341.1); c.1373T>G, p.Val458Gly (NM_001375342.1); c.1496T>G, p.Val499Gly (NM_001375343.1); c.1439T>G, p.Val480Gly (NM_001375344.1); c.1310T>G, p.Val437Gly (NM_001375345.1); and 6 more; short protein forms V466G, V507G, V437G, V464G, V327G, V364G, V445G, V459G.
Identifiers: ClinVar variation 2940186 (VCV002940186.3), dbSNP rs2532776097, ClinGen allele CA362184151.